The following is an entry in ClinVar:

NM_001243133.2(NLRP3):c.1585G>A (p.Ala529Thr)

Gene: NLRP3 (NLR family pyrin domain containing 3; plus strand). Cytogenetic location: 1q44.
Variant type: single nucleotide variant.
Coding change: c.1585G>A on transcript NM_001243133.2 (MANE Select); coding-DNA position 1585, G replaced by A.
Protein change: p.Ala529Thr; replaces alanine 529 with threonine.
Molecular consequence: missense variant.
Genome position (GRCh38, 1-based): chr1:247,425,034, G>A. VCF-style: chr1-247425034-G-A. GRCh37 (hg19) VCF-style: chr1-247588336-G-A.
Other names: c.1585G>A, p.Ala529Thr (NM_001079821.3, NM_001127461.3, NM_001127462.3 and 1 more transcripts); c.1591G>A, p.Ala531Thr (NM_004895.5); short protein forms A529T, A531T.
Identifiers: ClinVar variation 4626232 (VCV004626232.1).

ClinVar aggregate classification (germline): Uncertain significance (1 of 4 stars; one submission).

Conditions:
Inborn genetic diseases. Identifiers: MedGen C0950123, MeSH D030342.

Submission:

Ambry Genetics
Classification: Uncertain significance for Inborn genetic diseases. Last evaluated: 2025-10-14. Review status: criteria provided, single submitter. Criteria: Ambry Variant Classification Scheme 2023. Collection method: clinical testing. Allele origin: germline.
Comment: The c.1591G>A (p.A531T) alteration is located in exon 3 (coding exon 3) of the NLRP3 gene. This alteration results from a G to A substitution at nucleotide position 1591, causing the alanine (A) at amino acid position 531 to be replaced by a threonine (T). Based on data from gnomAD, the A allele has an overall frequency of <0.001% (0/251042) total alleles studied. The highest observed frequency was <0.001% (/) of alleles. Based on insufficient or conflicting evidence, the clinical significance of this alteration remains unclear.